The following is an entry in ClinVar:

GRCh38/hg38 7q21.11-21.12(chr7:86669909-87492659)x3

Genes: ABCB4 (ATP binding cassette subfamily B member 4; minus strand), CROT (carnitine O-octanoyltransferase; plus strand), DMTF1 (cyclin D binding myb like transcription factor 1; plus strand), DMTF1-AS1 (DMTF1 antisense RNA 1; minus strand), ELAPOR2 (endosome-lysosome associated apoptosis and autophagy regulator family member 2; minus strand) and 27 more. Cytogenetic location: 7q21.11-21.12.
Variant type: copy number gain.
Change: copy number 3 (three copies instead of two) of chr7:86,669,909-87,492,659 (822.8 kb, GRCh38 coordinates, 1-based), cytogenetic band 7q21.11-21.12.
Identifiers: ClinVar variation 59621 (VCV000059621.1).

ClinVar aggregate classification (germline): Uncertain significance (1 of 4 stars; one submission).

Submission:

ISCA site 14
Classification: Uncertain significance. Last evaluated: 2011-08-12. Review status: criteria provided, single submitter. Criteria: Kaminsky et al. (Genet Med. 2011). Collection method: clinical testing. Allele origin: maternal. Affected: yes. Observed: 1 variant allele.
Comment: Copy number variation identified through the course of routine clinical cytogenomic testing in postnatal populations. Clinical assertions have been curated as described in Kaminsky et al. 2011.